The following is an entry in ClinVar:

NM_080680.3(COL11A2):c.3111G>T (p.Pro1037=)

Gene: COL11A2 (collagen type XI alpha 2 chain; minus strand). Cytogenetic location: 6p21.32.
Variant type: single nucleotide variant.
Coding change: c.3111G>T on transcript NM_080680.3 (MANE Select); coding-DNA position 3111, G replaced by T.
Protein change: p.Pro1037=; no amino-acid change (proline 1037 retained).
Molecular consequence: synonymous variant.
Genome position (GRCh38, 1-based): chr6:33,171,752, C>A on the plus strand (G>T on the coding strand, the complement: COL11A2 is on the minus strand). VCF-style: chr6-33171752-C-A. GRCh37 (hg19) VCF-style: chr6-33139529-C-A.
Other names: c.2790G>T, p.Pro930= (NM_080679.3); c.2853G>T, p.Pro951= (NM_080681.3).
Identifiers: ClinVar variation 197474 (VCV000197474.29), dbSNP rs146093235, ClinGen allele CA202904.

ClinVar aggregate classification (germline): Benign/Likely benign. Review status: criteria provided, multiple submitters, no conflicts (2 of 4 stars). 11 submissions from 10 submitters: Benign (7); Likely benign (1). 3 of the submissions do not count toward it. Last evaluated 2026-02-02.

Conditions:
Fibrochondrogenesis 2 (FBCG2). Identifiers: Orphanet 2021, MedGen C3281128, MONDO:0013795, OMIM 614524.
Connective tissue disorder. Also called: Connective tissue disease. Identifiers: MedGen C0009782, MONDO:0003900.
Otospondylomegaepiphyseal dysplasia, autosomal recessive (OSMEDB). Also called: CHONDRODYSTROPHY WITH SENSORINEURAL DEAFNESS; Insley-Astley syndrome. Identifiers: Orphanet 1427, MedGen CN034493, MONDO:0044206, OMIM 215150.

Allele frequency attached by ClinVar (database versions not stated): TOPMed 0.00059; ESP Exome Variant Server 0.00071; 1000 Genomes Project 0.00639; 1000 Genomes Project 30x 0.00765.

Submissions (11):

Labcorp Genetics (formerly Invitae), Labcorp
Classification: Benign. Last evaluated: 2026-02-02. Review status: criteria provided, single submitter. Criteria: Invitae Variant Classification Sherloc (09022015). Collection method: clinical testing. Allele origin: germline.

Genome Diagnostics Laboratory, The Hospital for Sick Children
Classification: Benign for Connective tissue disorder. Last evaluated: 2021-05-21. Review status: criteria provided, single submitter. Criteria: ACMG Guidelines, 2015. Collection method: clinical testing. Allele origin: germline.

GeneDx
Classification: Benign. Last evaluated: 2018-03-27. Review status: criteria provided, single submitter. Criteria: GeneDx Variant Classification (06012015). Collection method: clinical testing. Allele origin: germline. Affected: yes.
Comment: This variant is considered likely benign or benign based on one or more of the following criteria: it is a conservative change, it occurs at a poorly conserved position in the protein, it is predicted to be benign by multiple in silico algorithms, and/or has population frequency not consistent with disease.

Illumina Laboratory Services, Illumina
Classification: Benign for Otospondylomegaepiphyseal dysplasia, autosomal recessive. Last evaluated: 2018-01-12. Review status: criteria provided, single submitter. Criteria: ICSL Variant Classification Criteria 13 December 2019. Collection method: clinical testing. Allele origin: germline.
Comment: This variant was observed in the ICSL laboratory as part of a predisposition screen in an ostensibly healthy population. It had not been previously curated by ICSL or reported in the Human Gene Mutation Database (HGMD: prior to June 1st, 2018), and was therefore a candidate for classification through an automated scoring system. Utilizing variant allele frequency, disease prevalence and penetrance estimates, and inheritance mode, an automated score was calculated to assess if this variant is too frequent to cause the disease. Based on the score and internal cut-off values, a variant classified as benign is not then subjected to further curation. The score for this variant resulted in a classification of benign for this disease.

Illumina Laboratory Services, Illumina
Classification: Benign for Fibrochondrogenesis 2. Last evaluated: 2018-01-12. Review status: criteria provided, single submitter. Criteria: ICSL Variant Classification Criteria 13 December 2019. Collection method: clinical testing. Allele origin: germline.
Comment: the same text as in the submission from Illumina Laboratory Services, Illumina above.

Laboratory for Molecular Medicine, Mass General Brigham Personalized Medicine
Classification: Benign. Last evaluated: 2015-05-05. Review status: criteria provided, single submitter. Criteria: LMM Criteria. Collection method: clinical testing. Allele origin: germline. Observed: 4 variant alleles.
Comment: Pro1037Pro in Exon 42 of COL11A2: This variant is not expected to have clinical significance because it does not alter an amino acid residue, is not located wit hin the splice consensus sequence, and has been identified in 3.1% (508/16154) o f South Asian chromosomes including 8 homozygotes by the Exome Aggregation Cons ortium (ExAC; dbSNP rs146093235).

Eurofins Ntd Llc (ga)
Classification: Benign. Last evaluated: 2015-03-16. Review status: criteria provided, single submitter. Criteria: EGL Classification Definitions 2015. Collection method: clinical testing. Allele origin: germline. Observed: 1 variant allele, 1 heterozygote.

Breakthrough Genomics
Classification: Likely benign. Review status: criteria provided, single submitter. Criteria: ACMG Guidelines, 2015. Collection method: not provided. Allele origin: germline. Inheritance: Autosomal recessive inheritance. Affected: yes.

Clinical Genetics DNA and cytogenetics Diagnostics Lab, Erasmus MC, Erasmus Medical Center
Classification: Likely benign. Review status: no assertion criteria provided. Collection method: clinical testing. Allele origin: germline. Affected: yes. Study: VKGL Data-share Consensus. Not counted in ClinVar's aggregate classification.

Genome Diagnostics Laboratory, Amsterdam University Medical Center
Classification: Benign. Review status: no assertion criteria provided. Collection method: clinical testing. Allele origin: germline. Affected: yes. Study: VKGL Data-share Consensus. Not counted in ClinVar's aggregate classification.

Joint Genome Diagnostic Labs from Nijmegen and Maastricht, Radboudumc and MUMC+
Classification: Benign. Review status: no assertion criteria provided. Collection method: clinical testing. Allele origin: germline. Affected: yes. Study: VKGL Data-share Consensus. Not counted in ClinVar's aggregate classification.